The following is an entry in ClinVar:

NM_002691.4(POLD1):c.1930G>A (p.Asp644Asn)

Gene: POLD1 (DNA polymerase delta 1, catalytic subunit; plus strand). Cytogenetic location: 19q13.33.
Variant type: single nucleotide variant.
Coding change: c.1930G>A on transcript NM_002691.4 (MANE Select); coding-DNA position 1930, G replaced by A.
Protein change: p.Asp644Asn; replaces aspartic acid 644 with asparagine.
Molecular consequence: missense variant. On other transcripts: non-coding transcript variant (1).
Genome position (GRCh38, 1-based): chr19:50,409,159, G>A. VCF-style: chr19-50409159-G-A. GRCh37 (hg19) VCF-style: chr19-50912416-G-A.
Other names: c.1930G>A, p.Asp644Asn (NM_001256849.1); c.2008G>A, p.Asp670Asn (NM_001308632.1); c.1930G>A (NM_002691.2); short protein forms D644N, D670N.
Identifiers: ClinVar variation 407993 (VCV000407993.31), dbSNP rs763465385, ClinGen allele CA9596330.

ClinVar aggregate classification (germline): Uncertain significance. Review status: criteria provided, multiple submitters, no conflicts (2 of 4 stars). 9 submissions from 9 submitters: Uncertain significance (9). Last evaluated 2025-12-01.

Conditions:
POLD1-related polyposis and colorectal cancer syndrome (CRCS10). Also called: Colorectal cancer, susceptibility to, 10; Colorectal cancer 10; COLORECTAL CANCER, SUSCEPTIBILITY TO, ON CHROMOSOME 19q. Identifiers: Orphanet 220460, MedGen C2675481, MONDO:0012953, OMIM 612591.
POLD1-related disorder. Also called: POLD1-related disorders; POLD1-related condition.
Hereditary cancer-predisposing syndrome. Also called: Neoplastic Syndromes, Hereditary; Hereditary neoplastic syndrome; Hereditary Cancer Syndrome; Tumor predisposition. Identifiers: Orphanet 140162, MedGen C0027672, MeSH D009386, MONDO:0015356.
Mandibular hypoplasia-deafness-progeroid syndrome. Also called: Mandibular hypoplasia, deafness, progeroid features, and lipodystrophy syndrome. Identifiers: Orphanet 363649, MedGen C3715192, MONDO:0014157, OMIM 615381.

Allele frequency attached by ClinVar (database versions not stated): gnomAD exomes 0.00002 and 0.00004; TOPMed 0.00002; gnomAD 0.00004; ExAC 0.00006.
gnomAD v4.1: 35 of 1,613,676 alleles (0.0022%); highest among the groups gnomAD compares: Middle Eastern, 0.033%; no homozygotes.

Submissions (9):

Labcorp Genetics (formerly Invitae), Labcorp
Classification: Uncertain significance for POLD1-related polyposis and colorectal cancer syndrome. Last evaluated: 2025-12-01. Review status: criteria provided, single submitter. Criteria: Invitae Variant Classification Sherloc (09022015). Collection method: clinical testing. Allele origin: germline.
Comment: This sequence change replaces aspartic acid, which is acidic and polar, with asparagine, which is neutral and polar, at codon 644 of the POLD1 protein (p.Asp644Asn). This variant is present in population databases (rs763465385, gnomAD 0.01%). This variant has not been reported in the literature in individuals affected with POLD1-related conditions. ClinVar contains an entry for this variant (Variation ID: 407993). Invitae Evidence Modeling of protein sequence and biophysical properties (such as structural, functional, and spatial information, amino acid conservation, physicochemical variation, residue mobility, and thermodynamic stability) indicates that this missense variant is not expected to disrupt POLD1 protein function with a negative predictive value of 80%. In summary, the available evidence is currently insufficient to determine the role of this variant in disease. Therefore, it has been classified as a Variant of Uncertain Significance.

Ambry Genetics
Classification: Uncertain significance for Hereditary cancer-predisposing syndrome. Last evaluated: 2025-11-26. Review status: criteria provided, single submitter. Criteria: Ambry Variant Classification Scheme 2023. Collection method: clinical testing. Allele origin: germline.

Center for Genomic Medicine, Rigshospitalet, Copenhagen University Hospital
Classification: Uncertain significance. Last evaluated: 2025-03-04. Review status: criteria provided, single submitter. Criteria: ACMG Guidelines, 2015. Collection method: clinical testing. Allele origin: germline.

Blueprint Genetics
Classification: Uncertain significance. Last evaluated: 2024-11-14. Review status: criteria provided, single submitter. Criteria: ACMG Guidelines, 2015. Collection method: clinical testing. Allele origin: germline.

GeneDx
Classification: Uncertain significance. Last evaluated: 2024-02-28. Review status: criteria provided, single submitter. Criteria: GeneDx Variant Classification Process June 2021. Collection method: clinical testing. Allele origin: germline. Affected: yes.
Comment: In silico analysis supports that this missense variant does not alter protein structure/function; Has not been previously published as pathogenic or benign to our knowledge; This variant is associated with the following publications: (PMID: 32041611, 20951805)

PreventionGenetics, part of Exact Sciences
Classification: Uncertain significance for POLD1-related condition. Last evaluated: 2022-10-17. Review status: criteria provided, single submitter. Criteria: ACMG Guidelines, 2015. Collection method: clinical testing. Allele origin: germline.
Comment: The POLD1 c.1930G>A variant is predicted to result in the amino acid substitution p.Asp644Asn. This variant was reported in a dyslipidemia cohort study (Supplemental Tables 3 and 4, Dron et al. 2020. PubMed ID: 32041611). This variant is reported in 0.011% of alleles in individuals of Latino descent in gnomAD. At this time, the clinical significance of this variant is uncertain due to the absence of conclusive functional and genetic evidence.

Sema4
Classification: Uncertain significance for Hereditary cancer-predisposing syndrome. Last evaluated: 2021-04-15. Review status: criteria provided, single submitter. Criteria: Sema4 Curation Guidelines. Collection method: curation. Allele origin: germline.
Comment: To the best of our knowledge, the c.1930G>A (p.D644N) variant has not been reported in individuals with POLD1-related disease. It was observed in 4/35400 chromosomes of the Latino subpopulation in the large and broad cohorts of the Genome Aggregation Database (PMID: 32461654). The variant has been reported in ClinVar (Variation ID: 407993). In silico tools suggest the impact of the variant on protein function is benign, though these predictions have not been confirmed by functional studies. The evidence is insufficient to meet ACMG/AMP criteria for classifying the variant as benign or pathogenic. Thus, the clinical significance of this variant is currently uncertain.

Fulgent Genetics
Classification: Uncertain significance for POLD1-related polyposis and colorectal cancer syndrome; Mandibular hypoplasia-deafness-progeroid syndrome. Last evaluated: 2018-10-31. Review status: criteria provided, single submitter. Criteria: ACMG Guidelines, 2015. Collection method: clinical testing. Allele origin: unknown.

Breakthrough Genomics
Classification: Uncertain significance. Review status: criteria provided, single submitter. Criteria: ACMG Guidelines, 2015. Collection method: not provided. Allele origin: germline. Inheritance: Autosomal dominant inheritance. Affected: yes.